The following is an entry in ClinVar:

ClinVar aggregate classification (germline): Likely benign (0 of 4 stars; one submission).

Conditions:
KRT71-related disorder. Also called: KRT71-related condition.

Allele frequency attached by ClinVar (database versions not stated): gnomAD exomes below 0.00001.
gnomAD v4.1: 3 of 1,613,550 alleles (0.00019%); highest among the groups gnomAD compares: Middle Eastern, 0.016%; no homozygotes.

Submission:

PreventionGenetics, part of Exact Sciences
Classification: Likely benign for KRT71-related condition. Last evaluated: 2021-01-20. Review status: no assertion criteria provided. Collection method: clinical testing. Allele origin: germline.
Comment: This variant is classified as likely benign based on ACMG/AMP sequence variant interpretation guidelines (Richards et al. 2015 PMID: 25741868, with internal and published modifications).

NM_033448.3(KRT71):c.718-9A>T

Gene: KRT71 (keratin 71; minus strand). Cytogenetic location: 12q13.13.
Variant type: single nucleotide variant.
Coding change: c.718-9A>T on transcript NM_033448.3 (MANE Select); 9 bases into the intron before coding-DNA position 718, A replaced by T.
Molecular consequence: intron variant.
Genome position (GRCh38, 1-based): chr12:52,548,805, T>A on the plus strand (A>T on the coding strand, the complement: KRT71 is on the minus strand). VCF-style: chr12-52548805-T-A. GRCh37 (hg19) VCF-style: chr12-52942589-T-A.
Identifiers: ClinVar variation 3029952 (VCV003029952.2), dbSNP rs1939107193, ClinGen allele CA2036532618.
Genomic context (GRCh38, chr12:52,548,805, plus strand): 5'-ATTCCACCTTGGCCTGCAGTTCCACCTTATTGGCGTAAGCAGCATCCACATCCTGAAAGA[T>A]GCCCCCACCATCCCCTGTCACTGCTGGTACAGCCAAAAAGGCAGCAGCCATCCCTGCCTG-3'